The following is an entry in ClinVar:

NM_004415.4(DSP):c.4403C>G (p.Ser1468Cys)

Gene: DSP (desmoplakin; plus strand). Cytogenetic location: 6p24.3.
Variant type: single nucleotide variant.
Coding change: c.4403C>G on transcript NM_004415.4 (MANE Select); coding-DNA position 4403, C replaced by G.
Protein change: p.Ser1468Cys; replaces serine 1468 with cysteine.
Molecular consequence: missense variant. On other transcripts: intron variant (2).
Genome position (GRCh38, 1-based): chr6:7,580,593, C>G. VCF-style: chr6-7580593-C-G. GRCh37 (hg19) VCF-style: chr6-7580826-C-G.
Other names: c.4050+353C>G (NM_001319034.2); c.3582+821C>G (NM_001008844.3); short protein forms S1468C.
Identifiers: ClinVar variation 919991 (VCV000919991.5), dbSNP rs1759398862, ClinGen allele CA362686236.
Genomic context (GRCh38, chr6:7,580,593, plus strand): 5'-AGGTTGAGCTGAGACAAGTCACTCAGATGCGAACAGAGGAGAGCGTAAGATATAAGCAAT[C>G]TCTTGATGATGCTGCCAAAACCATCCAGGATAAAAACAAGGAGATAGAAAGGTTAAAACA-3'
Protein context (NP_004406.2, residues 1458-1478): RTEESVRYKQ[Ser1468Cys]LDDAAKTIQD

ClinVar aggregate classification (germline): Uncertain significance (1 of 4 stars; one submission).

Conditions:
Cardiomyopathy (CMYO). Also called: Cardiomyopathies. Identifiers: Orphanet 167848, MedGen C0878544, MONDO:0004994, HP:0001638. Inheritance: Various modes of inheritance.

Submission:

Color Diagnostics, LLC DBA Color Health
Classification: Uncertain significance for Cardiomyopathy. Last evaluated: 2023-12-05. Review status: criteria provided, single submitter. Criteria: ACMG Guidelines, 2015. Collection method: clinical testing. Allele origin: germline.
Comment: This missense variant replaces serine with cysteine at codon 1468 of the DSP protein. Computational prediction tools and conservation analyses are inconclusive regarding the impact of this variant on the protein function. Computational splicing tools suggest that this variant may not impact RNA splicing. To our knowledge, functional assays have not been performed for this variant nor has this variant been reported in individuals affected with cardiovascular disorders in the literature. This variant has not been identified in the general population by the Genome Aggregation Database (gnomAD). Available evidence is insufficient to determine the role of this variant in disease conclusively. Therefore, this variant is classified as a Variant of Uncertain Significance.